The following is an entry in ClinVar:

ClinVar aggregate classification (germline): Uncertain significance (1 of 4 stars; one submission).

Conditions:
Imerslund-Grasbeck syndrome. Also called: PERNICIOUS ANEMIA, JUVENILE, DUE TO SELECTIVE INTESTINAL MALABSORPTION OF VITAMIN B12, WITH PROTEINURIA; Megaloblastic anemia due to inborn errors of metabolism; Imerslund-Gräsbeck syndrome; ENTEROCYTE COBALAMIN MALABSORPTION; ENTEROCYTE INTRINSIC FACTOR RECEPTOR, DEFECT OF. Identifiers: Orphanet 35858, MedGen C4551825, MONDO:0009853.

Allele frequency attached by ClinVar (database versions not stated): TOPMed below 0.00001; gnomAD 0.00001; gnomAD exomes 0.00001; ExAC 0.00002.
gnomAD v4.1: 4 of 1,613,554 alleles (0.00025%); highest among the groups gnomAD compares: Admixed American, 0.0067%; no homozygotes.

Submission:

Labcorp Genetics (formerly Invitae), Labcorp
Classification: Uncertain significance for Imerslund-Grasbeck syndrome. Last evaluated: 2022-07-14. Review status: criteria provided, single submitter. Criteria: Invitae Variant Classification Sherloc (09022015). Collection method: clinical testing. Allele origin: germline.
Comment: This sequence change replaces lysine, which is basic and polar, with glutamic acid, which is acidic and polar, at codon 134 of the CUBN protein (p.Lys134Glu). In summary, the available evidence is currently insufficient to determine the role of this variant in disease. Therefore, it has been classified as a Variant of Uncertain Significance. Algorithms developed to predict the effect of missense changes on protein structure and function (SIFT, PolyPhen-2, Align-GVGD) all suggest that this variant is likely to be tolerated. This variant has not been reported in the literature in individuals affected with CUBN-related conditions. This variant is present in population databases (rs750604641, gnomAD 0.006%).

NM_001081.4(CUBN):c.400A>G (p.Lys134Glu)

Gene: CUBN (cubilin; minus strand). Cytogenetic location: 10p13.
Variant type: single nucleotide variant.
Coding change: c.400A>G on transcript NM_001081.4 (MANE Select); coding-DNA position 400, A replaced by G.
Protein change: p.Lys134Glu; replaces lysine 134 with glutamic acid.
Molecular consequence: missense variant.
Genome position (GRCh38, 1-based): chr10:17,123,677, T>C on the plus strand (A>G on the coding strand, the complement: CUBN is on the minus strand). VCF-style: chr10-17123677-T-C. GRCh37 (hg19) VCF-style: chr10-17165676-T-C.
Other names: short protein forms K134E.
Identifiers: ClinVar variation 2048435 (VCV002048435.4), dbSNP rs750604641, ClinGen allele CA5425676.
Genomic context (GRCh38, chr10:17,123,677, plus strand): 5'-AGGAATCATGCAGATTGAGGCAGGTTCCACCATTCTGGCAAGGATTGCTGCTGCAAACCT[T>C]TTTGTCAACAGTCTGAAACAAAAACAGGACAGTCAATGAGATGACTTGCAGTCAGCAGCA-3'
Protein context (NP_001072.2, residues 124-144): FQGLQQTVDK[Lys134Glu]VCSSNPCQNG